The following is an entry in ClinVar:

ClinVar aggregate classification (germline): Uncertain significance (1 of 4 stars; one submission).

Submission:

Labcorp Genetics (formerly Invitae), Labcorp
Classification: Uncertain significance. Last evaluated: 2022-10-17. Review status: criteria provided, single submitter. Criteria: Invitae Variant Classification Sherloc (09022015). Collection method: clinical testing. Allele origin: germline.
Comment: This sequence change falls in intron 1 of the MOCS2A gene. It does not directly change the encoded amino acid sequence of the MOCS2A protein. It affects a nucleotide within the consensus splice site. This variant is not present in population databases (gnomAD no frequency). This variant has not been reported in the literature in individuals affected with MOCS2A-related conditions. ClinVar contains an entry for this variant (Variation ID: 1402501). Variants that disrupt the consensus splice site are a relatively common cause of aberrant splicing (PMID: 17576681, 9536098). Algorithms developed to predict the effect of sequence changes on RNA splicing suggest that this variant is not likely to affect RNA splicing. In summary, the available evidence is currently insufficient to determine the role of this variant in disease. Therefore, it has been classified as a Variant of Uncertain Significance.

Literature cited by the submitters: PubMed 17576681; PubMed 9536098.

NM_004531.5(MOCS2):c.-625G>A

Genes: MOCS2 (molybdenum cofactor synthesis 2; minus strand), LOC129993881 (ATAC-STARR-seq lymphoblastoid silent region 16005; plus strand). Cytogenetic location: 5q11.2.
Variant type: single nucleotide variant.
Coding change: c.-625G>A on transcript NM_004531.5 (MANE Select); 625 bases upstream of the start codon, G replaced by A.
Molecular consequence: 5 prime UTR variant. On other transcripts: intron variant (1).
Genome position (GRCh38, 1-based): chr5:53,109,706, C>T on the plus strand (G>A on the coding strand, the complement: MOCS2 is on the minus strand). VCF-style: chr5-53109706-C-T. GRCh37 (hg19) VCF-style: chr5-52405536-C-T.
Other names: c.18+6G>A (NM_176806.4).
Identifiers: ClinVar variation 1402501 (VCV001402501.3), dbSNP rs545270303, ClinGen allele CA118893519.